The following is an entry in ClinVar:

ClinVar aggregate classification (germline): Conflicting classifications of pathogenicity. Review status: criteria provided, conflicting classifications (1 of 4 stars). 2 submissions from 2 submitters: Uncertain significance (1); Likely benign (1). Last evaluated 2026-01-15.

Conditions:
Xeroderma pigmentosum, group C (XPC). Also called: XERODERMA PIGMENTOSUM III; XP, GROUP C; Xeroderma pigmentosum, complementation group C; XPC-Related Xeroderma Pigmentosum. Identifiers: Orphanet 910, MedGen C2752147, MONDO:0010211, OMIM 278720.

Allele frequency attached by ClinVar (database versions not stated): gnomAD 0.00010 and 0.00011; gnomAD exomes 0.00014 and 0.00030; 1000 Genomes Project 30x 0.00031; ExAC 0.00031; TOPMed 0.00033; 1000 Genomes Project 0.00040.

Submissions (2):

Labcorp Genetics (formerly Invitae), Labcorp
Classification: Likely benign. Last evaluated: 2026-01-15. Review status: criteria provided, single submitter. Criteria: Invitae Variant Classification Sherloc (09022015). Collection method: clinical testing. Allele origin: germline.

Baylor Genetics
Classification: Uncertain significance for Xeroderma pigmentosum, group C. Last evaluated: 2019-05-28. Review status: criteria provided, single submitter. Criteria: ACMG Guidelines, 2015. Collection method: clinical testing. Allele origin: unknown. Affected: yes. Study: CSER-TexasKidsCanSeq.
Comment: This variant was determined to be of uncertain significance according to ACMG Guidelines, 2015 [PMID:25741868].

NM_004628.5(XPC):c.203A>T (p.Asp68Val)

Gene: XPC (XPC complex subunit, DNA damage recognition and repair factor; minus strand). Cytogenetic location: 3p25.1.
Variant type: single nucleotide variant.
Coding change: c.203A>T on transcript NM_004628.5 (MANE Select); coding-DNA position 203, A replaced by T.
Protein change: p.Asp68Val; replaces aspartic acid 68 with valine.
Molecular consequence: missense variant. On other transcripts: 5 prime UTR variant (1), non-coding transcript variant (2).
Genome position (GRCh38, 1-based): chr3:14,172,963, T>A on the plus strand (A>T on the coding strand, the complement: XPC is on the minus strand). VCF-style: chr3-14172963-T-A. GRCh37 (hg19) VCF-style: chr3-14214463-T-A.
Other names: c.-253A>T (NM_001354726.2); c.203A>T, p.Asp68Val (NM_001354727.2, NM_001354730.2); c.185A>T, p.Asp62Val (NM_001354729.2); short protein forms D68V, D62V.
Identifiers: ClinVar variation 762370 (VCV000762370.13), dbSNP rs56012223, ClinGen allele CA2267778.